The following is an entry in ClinVar:

ClinVar aggregate classification (germline): Uncertain significance. Review status: criteria provided, multiple submitters, no conflicts (2 of 4 stars). 2 submissions from 2 submitters: Uncertain significance (2). Last evaluated 2024-04-08.

Conditions:
Inborn genetic diseases. Identifiers: MedGen C0950123, MeSH D030342.

Allele frequency attached by ClinVar (database versions not stated): gnomAD 0.00004; TOPMed 0.00005.
gnomAD v4.1: 14 of 1,613,950 alleles (0.00087%); highest among the groups gnomAD compares: Middle Eastern, 0.016%; no homozygotes.

Submissions (2):

Labcorp Genetics (formerly Invitae), Labcorp
Classification: Uncertain significance. Last evaluated: 2024-04-08. Review status: criteria provided, single submitter. Criteria: Invitae Variant Classification Sherloc (09022015). Collection method: clinical testing. Allele origin: germline.
Comment: This sequence change replaces glutamic acid, which is acidic and polar, with glycine, which is neutral and non-polar, at codon 388 of the CASQ1 protein (p.Glu388Gly). This variant is present in population databases (rs759372094, gnomAD 0.0009%). This variant has not been reported in the literature in individuals affected with CASQ1-related conditions. ClinVar contains an entry for this variant (Variation ID: 2169991). Advanced modeling of protein sequence and biophysical properties (such as structural, functional, and spatial information, amino acid conservation, physicochemical variation, residue mobility, and thermodynamic stability) performed at Invitae indicates that this missense variant is not expected to disrupt CASQ1 protein function with a negative predictive value of 80%. In summary, the available evidence is currently insufficient to determine the role of this variant in disease. Therefore, it has been classified as a Variant of Uncertain Significance.

Ambry Genetics
Classification: Uncertain significance for Inborn genetic diseases. Last evaluated: 2023-12-18. Review status: criteria provided, single submitter. Criteria: Ambry Variant Classification Scheme 2023. Collection method: clinical testing. Allele origin: germline.

NM_001231.5(CASQ1):c.1163A>G (p.Glu388Gly)

Gene: CASQ1 (calsequestrin 1; plus strand). Cytogenetic location: 1q23.2.
Variant type: single nucleotide variant.
Coding change: c.1163A>G on transcript NM_001231.5 (MANE Select); coding-DNA position 1163, A replaced by G.
Protein change: p.Glu388Gly; replaces glutamic acid 388 with glycine.
Molecular consequence: missense variant.
Genome position (GRCh38, 1-based): chr1:160,201,348, A>G. VCF-style: chr1-160201348-A-G. GRCh37 (hg19) VCF-style: chr1-160171138-A-G.
Other names: c.1163A>G (NM_001231.4); short protein forms E388G.
Identifiers: ClinVar variation 2169991 (VCV002169991.5), dbSNP rs759372094, ClinGen allele CA31501008.
Genomic context (GRCh38, chr1:160,201,348, plus strand): 5'-CTTCTGCTGAGGAGCTGGAGGACTGGCTGGAGGATGTCCTGGAGGGCGAGATCAACACAG[A>G]GGACGATGACGATGATGATGATGACTAGTTGCTATGGCAACCATCTTTCAGCCCCACTGG-3'
Protein context (NP_001222.3, residues 378-396): EDVLEGEINT[Glu388Gly]DDDDDDDD